The following is an entry in ClinVar:

NM_001020658.2(PUM1):c.1253-22C>T

Gene: PUM1 (pumilio RNA binding family member 1; minus strand). Cytogenetic location: 1p35.2.
Variant type: single nucleotide variant.
Coding change: c.1253-22C>T on transcript NM_001020658.2 (MANE Select); 22 bases into the intron before coding-DNA position 1253, C replaced by T.
Molecular consequence: intron variant.
Genome position (GRCh38, 1-based): chr1:30,980,185, G>A on the plus strand (C>T on the coding strand, the complement: PUM1 is on the minus strand). VCF-style: chr1-30980185-G-A. GRCh37 (hg19) VCF-style: chr1-31453032-G-A.
Other names: c.1253-22C>T (NM_014676.3).
Identifiers: ClinVar variation 3768814 (VCV003768814.1).

ClinVar aggregate classification (germline): Likely benign (1 of 4 stars; one submission).

Submission:

Women's Health and Genetics/Laboratory Corporation of America, LabCorp
Classification: Likely benign. Last evaluated: 2025-02-03. Review status: criteria provided, single submitter. Criteria: LabCorp Variant Classification Summary - May 2015. Collection method: clinical testing. Allele origin: germline.
Comment: Variant summary: PUM1 c.1253-22C>T is located at a position not widely known to affect splicing. Consensus agreement among computation tools predict no significant impact on normal splicing. However, these predictions have yet to be confirmed by functional studies. The variant was absent in 243366 control chromosomes (gnomAD). The available data on variant occurrences in the general population are insufficient to allow any conclusion about variant significance. To our knowledge, no occurrence of c.1253-22C>T in individuals affected with Spinocerebellar Ataxia 47 and no experimental evidence demonstrating its impact on protein function have been reported. No submitters have cited clinical-significance assessments for this variant to ClinVar. Based on the evidence outlined above, the variant was classified as likely benign.